The following is an entry in ClinVar:

NM_144672.4(OTOA):c.2238G>A (p.Thr746=)

Gene: OTOA (otoancorin). Cytogenetic location: 16p12.2.
Variant type: single nucleotide variant.
Coding change: c.2238G>A on transcript NM_144672.4 (MANE Select); coding-DNA position 2238, G replaced by A.
Protein change: p.Thr746=; no amino-acid change (threonine 746 retained).
Molecular consequence: synonymous variant.
Genome position (GRCh38, 1-based): chr16:21,730,867, G>A. VCF-style: chr16-21730867-G-A. GRCh37 (hg19) VCF-style: chr16-21742188-G-A.
Other names: p.Thr746=; c.2001G>A, p.Thr667= (NM_001161683.2); c.1266G>A, p.Thr422= (NM_170664.3).
Identifiers: ClinVar variation 47953 (VCV000047953.16), dbSNP rs72640475, ClinGen allele CA142248.

ClinVar aggregate classification (germline): Benign/Likely benign. Review status: criteria provided, multiple submitters, no conflicts (2 of 4 stars). 6 submissions from 6 submitters: Benign (5); Likely benign (1). Last evaluated 2024-11-27.

Conditions:
Autosomal recessive nonsyndromic hearing loss 22. Identifiers: Orphanet 90636, MedGen C1846896, MONDO:0011762, OMIM 607039.

Allele frequency attached by ClinVar (database versions not stated): ESP Exome Variant Server 0.00325; gnomAD 0.01270 and 0.01454; gnomAD exomes 0.05325; ExAC 0.05621; 1000 Genomes Project 30x 0.05934.

Submissions (6):

Blueprint Genetics
Classification: Likely benign. Last evaluated: 2024-11-27. Review status: criteria provided, single submitter. Criteria: ACMG Guidelines, 2015. Collection method: clinical testing. Allele origin: germline.

Mayo Clinic Laboratories, Mayo Clinic
Classification: Benign. Last evaluated: 2023-05-01. Review status: criteria provided, single submitter. Criteria: ACMG Guidelines, 2015. Collection method: clinical testing. Allele origin: germline. Observed: 3 variant alleles.
Comment: BA1, BS1

ARUP Laboratories, Molecular Genetics and Genomics, ARUP Laboratories
Classification: Benign for Autosomal recessive nonsyndromic hearing loss 22. Last evaluated: 2018-08-29. Review status: criteria provided, single submitter. Criteria: ARUP Molecular Germline Variant Investigation Process. Collection method: clinical testing. Allele origin: germline.

GeneDx
Classification: Benign. Last evaluated: 2017-06-13. Review status: criteria provided, single submitter. Criteria: GeneDx Variant Classification (06012015). Collection method: clinical testing. Allele origin: germline. Affected: yes.
Comment: This variant is considered likely benign or benign based on one or more of the following criteria: it is a conservative change, it occurs at a poorly conserved position in the protein, it is predicted to be benign by multiple in silico algorithms, and/or has population frequency not consistent with disease.

Laboratory for Molecular Medicine, Mass General Brigham Personalized Medicine
Classification: Benign. Last evaluated: 2012-04-30. Review status: criteria provided, single submitter. Criteria: LMM Criteria. Collection method: clinical testing. Allele origin: germline. Observed: 143 variant alleles.
Comment: Thr746Thr in Exon 20 of OTOA: This variant is not expected to have clinical sign ificance because it does not alter an amino acid residue, is not located within the splice consensus sequence, and has been identified in 0.3% (22/6966) of Euro pean American chromosomes from a broad population by the NHLBI Exome Sequencing Project (dbSNP rs76494517).

Breakthrough Genomics
Classification: Benign. Review status: criteria provided, single submitter. Criteria: ACMG Guidelines, 2015. Collection method: not provided. Allele origin: germline. Inheritance: Autosomal recessive inheritance. Affected: yes.